The following is an entry in ClinVar:

ClinVar aggregate classification (germline): Uncertain significance (1 of 4 stars; one submission).

Conditions:
Hereditary cancer-predisposing syndrome. Also called: Neoplastic Syndromes, Hereditary; Tumor predisposition; Hereditary Cancer Syndrome; Hereditary neoplastic syndrome. Identifiers: Orphanet 140162, MedGen C0027672, MeSH D009386, MONDO:0015356.

Submission:

Ambry Genetics
Classification: Uncertain significance for Hereditary cancer-predisposing syndrome. Last evaluated: 2019-01-10. Review status: criteria provided, single submitter. Criteria: Ambry Variant Classification Scheme 2023. Collection method: clinical testing. Allele origin: germline.
Comment: The p.G750C variant (also known as c.2248G>T), located in coding exon 13 of the PMS2 gene, results from a G to T substitution at nucleotide position 2248. The glycine at codon 750 is replaced by cysteine, an amino acid with highly dissimilar properties. This amino acid position is highly conserved in available vertebrate species. In addition, this alteration is predicted to be deleterious by in silico analysis. Since supporting evidence is limited at this time, the clinical significance of this alteration remains unclear.

NM_000535.7(PMS2):c.2248G>T (p.Gly750Cys)

Gene: PMS2 (PMS1 homolog 2, mismatch repair system component; minus strand). Cytogenetic location: 7p22.1.
Variant type: single nucleotide variant.
Coding change: c.2248G>T on transcript NM_000535.7 (MANE Select); coding-DNA position 2248, G replaced by T.
Protein change: p.Gly750Cys; replaces glycine 750 with cysteine.
Molecular consequence: missense variant. On other transcripts: non-coding transcript variant (1).
Genome position (GRCh38, 1-based): chr7:5,978,623, C>A on the plus strand (G>T on the coding strand, the complement: PMS2 is on the minus strand). VCF-style: chr7-5978623-C-A. GRCh37 (hg19) VCF-style: chr7-6018254-C-A.
Other names: c.1843G>T, p.Gly615Cys (NM_001018040.1, NM_001322003.2, NM_001322004.2 and 15 more transcripts); c.2092G>T, p.Gly698Cys (NM_001322006.2, NM_001406870.1); c.1930G>T, p.Gly644Cys (NM_001322007.2, NM_001322008.2, NM_001406876.1 and 1 more transcripts); c.1687G>T, p.Gly563Cys (NM_001322010.2, NM_001406906.1, NM_001406907.1); c.1315G>T, p.Gly439Cys (NM_001322011.2, NM_001322012.2); c.1675G>T, p.Gly559Cys (NM_001322013.2, NM_001406908.1, NM_001406909.1); c.2248G>T, p.Gly750Cys (NM_001322014.2); c.1939G>T, p.Gly647Cys (NM_001322015.2, NM_001406875.1, NM_001406877.1 and 5 more transcripts); and 14 more; short protein forms G439C, G579C, G588C, G628C, G638C, G694C, G750C, G812C.
Identifiers: ClinVar variation 1788370 (VCV001788370.2), dbSNP rs1781977133, ClinGen allele CA366736577.
Genomic context (GRCh38, chr7:5,978,623, plus strand): 5'-ACCCAGCCGCTATAGTTCTAATTAATAACTTACCATTTTCATCGATAACAAAATCAAAGC[C>A]ATTCTTTCTAAATATTTCCAGATTTTCTATCAGAACAGCTTCATTAACAGCAGTTAAGTT-3'
Protein context (NP_000526.2, residues 740-760): IENLEIFRKN[Gly750Cys]FDFVIDENAP